The following is an entry in ClinVar:

ClinVar aggregate classification (germline): Uncertain significance (1 of 4 stars; one submission).

Conditions:
Neuronal ceroid lipofuscinosis 7 (CLN7). Also called: MFSD8-Related Neuronal Ceroid-Lipofuscinosis. Identifiers: Orphanet 168491, Orphanet 228366, MedGen C1838571, MONDO:0012588, OMIM 610951.

Allele frequency attached by ClinVar (database versions not stated): gnomAD 0.00001; TOPMed 0.00002.

Submission:

Labcorp Genetics (formerly Invitae), Labcorp
Classification: Uncertain significance for Neuronal ceroid lipofuscinosis 7. Last evaluated: 2022-02-02. Review status: criteria provided, single submitter. Criteria: Invitae Variant Classification Sherloc (09022015). Collection method: clinical testing. Allele origin: germline.
Comment: This sequence change replaces serine, which is neutral and polar, with proline, which is neutral and non-polar, at codon 240 of the MFSD8 protein (p.Ser240Pro). This variant is not present in population databases (gnomAD no frequency). This variant has not been reported in the literature in individuals affected with MFSD8-related conditions. Algorithms developed to predict the effect of missense changes on protein structure and function (SIFT, PolyPhen-2, Align-GVGD) all suggest that this variant is likely to be tolerated. In summary, the available evidence is currently insufficient to determine the role of this variant in disease. Therefore, it has been classified as a Variant of Uncertain Significance.

NM_001371596.2(MFSD8):c.718T>C (p.Ser240Pro)

Gene: MFSD8 (major facilitator superfamily domain containing 8; minus strand). Cytogenetic location: 4q28.2.
Variant type: single nucleotide variant.
Coding change: c.718T>C on transcript NM_001371596.2 (MANE Select); coding-DNA position 718, T replaced by C.
Protein change: p.Ser240Pro; replaces serine 240 with proline.
Molecular consequence: missense variant. On other transcripts: intron variant (3).
Genome position (GRCh38, 1-based): chr4:127,938,819, A>G on the plus strand (T>C on the coding strand, the complement: MFSD8 is on the minus strand). VCF-style: chr4-127938819-A-G. GRCh37 (hg19) VCF-style: chr4-128859974-A-G.
Other names: c.583T>C, p.Ser195Pro (NM_001371590.2); c.718T>C, p.Ser240Pro (NM_001371591.2, NM_152778.4); c.724T>C, p.Ser242Pro (NM_001371592.2); c.604T>C, p.Ser202Pro (NM_001371593.2, NM_001410766.1); c.571T>C, p.Ser191Pro (NM_001371594.2); c.436T>C, p.Ser146Pro (NM_001371595.1); c.304+4933T>C (NM_001410765.1); c.439+4933T>C (NM_001363521.3); and 1 more; short protein forms S191P, S242P, S202P, S146P, S195P, S240P.
Identifiers: ClinVar variation 2143140 (VCV002143140.1), dbSNP rs1190367151, ClinGen allele CA358175248.